The following is an entry in ClinVar:

NM_000540.3(RYR1):c.7615-29G>A

Gene: RYR1 (ryanodine receptor 1; plus strand). Cytogenetic location: 19q13.2.
Variant type: single nucleotide variant.
Coding change: c.7615-29G>A on transcript NM_000540.3 (MANE Select); 29 bases into the intron before coding-DNA position 7615, G replaced by A.
Molecular consequence: intron variant.
Genome position (GRCh38, 1-based): chr19:38,502,478, G>A. VCF-style: chr19-38502478-G-A. GRCh37 (hg19) VCF-style: chr19-38993118-G-A.
Other names: c.7615-29G>A (NM_001042723.2).
Identifiers: ClinVar variation 3355856 (VCV003355856.1).

ClinVar aggregate classification (germline): Likely benign (0 of 4 stars; one submission).

Conditions:
RYR1-related disorder. Also called: RYR1-related condition; RYR1-related disorders. Identifiers: MedGen CN239331.

Submission:

PreventionGenetics, part of Exact Sciences
Classification: Likely benign for RYR1-related condition. Last evaluated: 2019-09-17. Review status: no assertion criteria provided. Collection method: clinical testing. Allele origin: germline.
Comment: This variant is classified as likely benign based on ACMG/AMP sequence variant interpretation guidelines (Richards et al. 2015 PMID: 25741868, with internal and published modifications).